The following is an entry in ClinVar:

NM_212482.4(FN1):c.2152T>G (p.Phe718Val)

Gene: FN1 (fibronectin 1; minus strand). Cytogenetic location: 2q35.
Variant type: single nucleotide variant.
Coding change: c.2152T>G on transcript NM_212482.4 (MANE Select); coding-DNA position 2152, T replaced by G.
Protein change: p.Phe718Val; replaces phenylalanine 718 with valine.
Molecular consequence: missense variant.
Genome position (GRCh38, 1-based): chr2:215,409,710, A>C on the plus strand (T>G on the coding strand, the complement: FN1 is on the minus strand). VCF-style: chr2-215409710-A-C. GRCh37 (hg19) VCF-style: chr2-216274433-A-C.
Other names: c.2152T>G, p.Phe718Val (NM_001306129.2, NM_001306130.2, NM_001306131.2 and 13 more transcripts); short protein forms F718V.
Identifiers: ClinVar variation 3663309 (VCV003663309.2).

ClinVar aggregate classification (germline): Uncertain significance (1 of 4 stars; one submission).

gnomAD v4.1: 1 of 1,614,082 alleles (0.000062%); highest among the groups gnomAD compares: African/African-American, 0.0013%; no homozygotes.

Submission:

Labcorp Genetics (formerly Invitae), Labcorp
Classification: Uncertain significance. Last evaluated: 2024-08-23. Review status: criteria provided, single submitter. Criteria: Invitae Variant Classification Sherloc (09022015). Collection method: clinical testing. Allele origin: germline.
Comment: This sequence change replaces phenylalanine, which is neutral and non-polar, with valine, which is neutral and non-polar, at codon 718 of the FN1 protein (p.Phe718Val). This variant is not present in population databases (gnomAD no frequency). This variant has not been reported in the literature in individuals affected with FN1-related conditions. Invitae Evidence Modeling of protein sequence and biophysical properties (such as structural, functional, and spatial information, amino acid conservation, physicochemical variation, residue mobility, and thermodynamic stability) indicates that this missense variant is not expected to disrupt FN1 protein function with a negative predictive value of 80%. In summary, the available evidence is currently insufficient to determine the role of this variant in disease. Therefore, it has been classified as a Variant of Uncertain Significance.